The following is an entry in ClinVar:

ClinVar aggregate classification (germline): Uncertain significance (1 of 4 stars; one submission).

Conditions:
Inborn genetic diseases. Identifiers: MedGen C0950123, MeSH D030342.

gnomAD v4.1: 3 of 1,614,072 alleles (0.00019%); highest among the groups gnomAD compares: East Asian, 0.0022%; no homozygotes.

Submission:

Ambry Genetics
Classification: Uncertain significance for Inborn genetic diseases. Last evaluated: 2025-02-06. Review status: criteria provided, single submitter. Criteria: Ambry Variant Classification Scheme 2023. Collection method: clinical testing. Allele origin: germline.
Comment: The p.A537D variant (also known as c.1610C>A), located in coding exon 17 of the FANCA gene, results from a C to A substitution at nucleotide position 1610. The alanine at codon 537 is replaced by aspartic acid, an amino acid with dissimilar properties. This amino acid position is conserved. In addition, this alteration is predicted to be tolerated by in silico analysis. Based on the available evidence, the clinical significance of this variant remains unclear.

NM_000135.4(FANCA):c.1610C>A (p.Ala537Asp)

Gene: FANCA (FA complementation group A; minus strand). Cytogenetic location: 16q24.3.
Variant type: single nucleotide variant.
Coding change: c.1610C>A on transcript NM_000135.4 (MANE Select); coding-DNA position 1610, C replaced by A.
Protein change: p.Ala537Asp; replaces alanine 537 with aspartic acid.
Molecular consequence: missense variant.
Genome position (GRCh38, 1-based): chr16:89,782,875, G>T on the plus strand (C>A on the coding strand, the complement: FANCA is on the minus strand). VCF-style: chr16-89782875-G-T. GRCh37 (hg19) VCF-style: chr16-89849283-G-T.
Other names: c.1610C>A, p.Ala537Asp (NM_001286167.3); short protein forms A537D.
Identifiers: ClinVar variation 3848201 (VCV003848201.1).
Genomic context (GRCh38, chr16:89,782,875, plus strand): 5'-TGGGCGTGACTGGCTGAGACCCTGCAGGGCTCAAGCAACATTACCTCAGTAATGTCCCCA[G>T]CTGATGACAAATCCTCGTAGAGTCCCATGTTTTCTATAGAAACCTTCAGGGAAGACACAG-3'
Protein context (NP_000126.2, residues 527-547): NMGLYEDLSS[Ala537Asp]GDITEPHSQA